The following is an entry in ClinVar:

NM_182700.6(SP8):c.291C>T (p.Ala97=)

Gene: SP8 (Sp8 transcription factor; minus strand). Cytogenetic location: 7p21.1.
Variant type: single nucleotide variant.
Coding change: c.291C>T on transcript NM_182700.6 (MANE Select); coding-DNA position 291, C replaced by T.
Protein change: p.Ala97=; no amino-acid change (alanine 97 retained).
Molecular consequence: synonymous variant.
Genome position (GRCh38, 1-based): chr7:20,785,526, G>A on the plus strand (C>T on the coding strand, the complement: SP8 is on the minus strand). VCF-style: chr7-20785526-G-A. GRCh37 (hg19) VCF-style: chr7-20825145-G-A.
Other names: c.237C>T, p.Ala79= (NM_198956.4).
Identifiers: ClinVar variation 3045932 (VCV003045932.2), dbSNP rs780875050, ClinGen allele CA454137770.

ClinVar aggregate classification (germline): Likely benign (0 of 4 stars; one submission).

Conditions:
SP8-related disorder. Also called: SP8-related condition.

Submission:

PreventionGenetics, part of Exact Sciences
Classification: Likely benign for SP8-related condition. Last evaluated: 2020-06-12. Review status: no assertion criteria provided. Collection method: clinical testing. Allele origin: germline.
Comment: This variant is classified as likely benign based on ACMG/AMP sequence variant interpretation guidelines (Richards et al. 2015 PMID: 25741868, with internal and published modifications).